The following is an entry in ClinVar:

ClinVar aggregate classification (germline): Uncertain significance. Review status: criteria provided, multiple submitters, no conflicts (2 of 4 stars). 2 submissions from 2 submitters: Uncertain significance (2). Last evaluated 2023-12-12.

Allele frequency attached by ClinVar (database versions not stated): gnomAD 0.00001.

Submissions (2):

Women's Health and Genetics/Laboratory Corporation of America, LabCorp
Classification: Uncertain significance. Last evaluated: 2023-12-12. Review status: criteria provided, single submitter. Criteria: LabCorp Variant Classification Summary - May 2015. Collection method: clinical testing. Allele origin: germline.
Comment: Variant summary: HPS4 c.571G>A (p.Ala191Thr) results in a non-conservative amino acid change in the encoded protein sequence. Five of five in-silico tools predict a damaging effect of the variant on protein function. The variant allele was found at a frequency of 4e-06 in 251404 control chromosomes. The available data on variant occurrences in the general population are insufficient to allow any conclusion about variant significance. To our knowledge, no occurrence of c.571G>A in individuals affected with Hermansky-Pudlak Syndrome and no experimental evidence demonstrating its impact on protein function have been reported. No submitters have cited clinical-significance assessments for this variant to ClinVar after 2014. Based on the evidence outlined above, the variant was classified as uncertain significance.

Blueprint Genetics
Classification: Uncertain significance. Last evaluated: 2021-08-03. Review status: criteria provided, single submitter. Criteria: ACMG Guidelines, 2015. Collection method: clinical testing. Allele origin: germline.

NM_022081.6(HPS4):c.571G>A (p.Ala191Thr)

Gene: HPS4 (HPS4 biogenesis of lysosomal organelles complex 3 subunit 2; minus strand). Cytogenetic location: 22q12.1.
Variant type: single nucleotide variant.
Coding change: c.571G>A on transcript NM_022081.6 (MANE Select); coding-DNA position 571, G replaced by A.
Protein change: p.Ala191Thr; replaces alanine 191 with threonine.
Molecular consequence: missense variant. On other transcripts: non-coding transcript variant (8).
Genome position (GRCh38, 1-based): chr22:26,470,744, C>T on the plus strand (G>A on the coding strand, the complement: HPS4 is on the minus strand). VCF-style: chr22-26470744-C-T. GRCh37 (hg19) VCF-style: chr22-26866710-C-T.
Other names: c.571G>A, p.Ala191Thr (NM_001349896.1, NM_001349898.2, NM_001349899.2 and 7 more transcripts); c.556G>A, p.Ala186Thr (NM_152841.2); short protein forms A186T, A191T.
Identifiers: ClinVar variation 2691642 (VCV002691642.2), dbSNP rs1297014192, ClinGen allele CA411030435.